The following is an entry in ClinVar:

NM_000283.4(PDE6B):c.2392G>A (p.Asp798Asn)

Gene: PDE6B (phosphodiesterase 6B; plus strand). Cytogenetic location: 4p16.3.
Variant type: single nucleotide variant.
Coding change: c.2392G>A on transcript NM_000283.4 (MANE Select); coding-DNA position 2392, G replaced by A.
Protein change: p.Asp798Asn; replaces aspartic acid 798 with asparagine.
Molecular consequence: missense variant.
Genome position (GRCh38, 1-based): chr4:667,895, G>A. VCF-style: chr4-667895-G-A. GRCh37 (hg19) VCF-style: chr4-661684-G-A.
Other names: c.2392G>A, p.Asp798Asn (NM_001145291.2); c.1555G>A, p.Asp519Asn (NM_001145292.2, NM_001350154.3, NM_001379246.1 and 1 more transcripts); c.1237G>A, p.Asp413Asn (NM_001350155.3); short protein forms D519N, D413N, D798N.
Identifiers: ClinVar variation 957228 (VCV000957228.8), dbSNP rs746471576, ClinGen allele CA2795046.

ClinVar aggregate classification (germline): Uncertain significance. Review status: criteria provided, multiple submitters, no conflicts (2 of 4 stars). 2 submissions from 2 submitters: Uncertain significance (2). Last evaluated 2025-01-15.

Allele frequency attached by ClinVar (database versions not stated): ExAC 0.00001; gnomAD exomes 0.00003.
gnomAD v4.1: 19 of 1,613,346 alleles (0.0012%); highest among the groups gnomAD compares: Middle Eastern, 0.016%; no homozygotes.

Submissions (2):

Labcorp Genetics (formerly Invitae), Labcorp
Classification: Uncertain significance. Last evaluated: 2025-01-15. Review status: criteria provided, single submitter. Criteria: Invitae Variant Classification Sherloc (09022015). Collection method: clinical testing. Allele origin: germline.
Comment: This sequence change replaces aspartic acid, which is acidic and polar, with asparagine, which is neutral and polar, at codon 798 of the PDE6B protein (p.Asp798Asn). This variant is present in population databases (rs746471576, gnomAD 0.009%). This variant has not been reported in the literature in individuals affected with PDE6B-related conditions. ClinVar contains an entry for this variant (Variation ID: 957228). Invitae Evidence Modeling of protein sequence and biophysical properties (such as structural, functional, and spatial information, amino acid conservation, physicochemical variation, residue mobility, and thermodynamic stability) indicates that this missense variant is not expected to disrupt PDE6B protein function with a negative predictive value of 80%. In summary, the available evidence is currently insufficient to determine the role of this variant in disease. Therefore, it has been classified as a Variant of Uncertain Significance.

Blueprint Genetics
Classification: Uncertain significance. Last evaluated: 2020-01-30. Review status: criteria provided, single submitter. Criteria: ACMG Guidelines, 2015. Collection method: clinical testing. Allele origin: germline.